The following is an entry in ClinVar:

NM_001378969.1(KCND3):c.1292G>A (p.Arg431His)

Gene: KCND3 (potassium voltage-gated channel subfamily D member 3; minus strand). Cytogenetic location: 1p13.2.
Variant type: single nucleotide variant.
Coding change: c.1292G>A on transcript NM_001378969.1 (MANE Select); coding-DNA position 1292, G replaced by A.
Protein change: p.Arg431His; replaces arginine 431 with histidine.
Molecular consequence: missense variant.
Genome position (GRCh38, 1-based): chr1:111,780,769, C>T on the plus strand (G>A on the coding strand, the complement: KCND3 is on the minus strand). VCF-style: chr1-111780769-C-T. GRCh37 (hg19) VCF-style: chr1-112323391-C-T.
Other names: c.1292G>A, p.Arg431His (NM_001378970.1, NM_004980.5, NM_172198.3); short protein forms R431H.
Identifiers: ClinVar variation 519484 (VCV000519484.18), dbSNP rs771703569, ClinGen allele CA1007474.

ClinVar aggregate classification (germline): Conflicting classifications of pathogenicity. Review status: criteria provided, conflicting classifications (1 of 4 stars). 6 submissions from 6 submitters: Uncertain significance (2); Likely benign (4). Last evaluated 2024-11-11.

Conditions:
Spinocerebellar ataxia type 19/22 (SCA19). Also called: SPINOCEREBELLAR ATAXIA 19; SPINOCEREBELLAR ATAXIA 22. Identifiers: Orphanet 98772, MedGen C1846367, MONDO:0011819, OMIM 607346.
Cardiovascular phenotype. Identifiers: MedGen CN230736.
Brugada syndrome 9 (BRGDA9). Identifiers: Orphanet 130, MedGen C4225340, MONDO:0014621, OMIM 616399.

Allele frequency attached by ClinVar (database versions not stated): ExAC 0.00004; gnomAD exomes 0.00006; TOPMed 0.00008; gnomAD 0.00014 and 0.00015.
gnomAD v4.1: 116 of 1,613,260 alleles (0.0072%); highest among the groups gnomAD compares: African/African-American, 0.023%; no homozygotes.

Submissions (6):

Labcorp Genetics (formerly Invitae), Labcorp
Classification: Likely benign for Spinocerebellar ataxia type 19/22. Last evaluated: 2024-11-11. Review status: criteria provided, single submitter. Criteria: Invitae Variant Classification Sherloc (09022015). Collection method: clinical testing. Allele origin: germline.

Blueprint Genetics
Classification: Likely benign. Last evaluated: 2023-08-17. Review status: criteria provided, single submitter. Criteria: ACMG Guidelines, 2015. Collection method: clinical testing. Allele origin: germline.

Ambry Genetics
Classification: Likely benign for Cardiovascular phenotype. Last evaluated: 2022-07-01. Review status: criteria provided, single submitter. Criteria: Ambry Variant Classification Scheme 2023. Collection method: clinical testing. Allele origin: germline.

GeneDx
Classification: Uncertain significance. Last evaluated: 2021-02-10. Review status: criteria provided, single submitter. Criteria: GeneDx Variant Classification Process June 2021. Collection method: clinical testing. Allele origin: germline. Affected: yes.
Comment: In silico analysis supports that this missense variant has a deleterious effect on protein structure/function; This variant is associated with the following publications: (PMID: 32818936, 28074886)

Athena Diagnostics
Classification: Likely benign. Last evaluated: 2019-05-23. Review status: criteria provided, single submitter. Criteria: Athena Diagnostics Criteria. Collection method: clinical testing. Allele origin: germline.

Neuberg Centre For Genomic Medicine, NCGM
Classification: Uncertain significance for Brugada syndrome 9. Review status: criteria provided, single submitter. Criteria: ACMG Guidelines, 2015. Collection method: clinical testing. Allele origin: germline. Inheritance: Autosomal dominant inheritance. Affected: yes.
Comment: The missense variant c.1292G>A (p.Arg431His) in KCND3 gene has been submitted to ClinVar as a Variant of Uncertain Significance (VUS). The p.Arg431His variant is reported with the allele frequency (0.005%) in the gnomAD Exomes and is novel (not in any individuals) in 1000 Genomes. The amino acid Arg at position 431 is changed to a His changing protein sequence and it might alter its composition and physico-chemical properties. The variant is predicted to be damaging by both SIFT and PolyPhen2. The residue is conserved across species. The amino acid change p.Arg431His in KCND3 is predicted as conserved by GERP++ and PhyloP across 100 vertebrates. For these reasons, this variant has been classified as Variant of Uncertain Significance (VUS).

Literature cited by the submitters: PubMed 32818936 (cited by Ambry Genetics); PubMed 28074886 (cited by Athena Diagnostics).